The following is an entry in ClinVar:

NM_020693.4(DSCAML1):c.1225C>T (p.Arg409Cys)

Gene: DSCAML1 (DS cell adhesion molecule like 1; minus strand). Cytogenetic location: 11q23.3.
Variant type: single nucleotide variant.
Coding change: c.1225C>T on transcript NM_020693.4 (MANE Select); coding-DNA position 1225, C replaced by T.
Protein change: p.Arg409Cys; replaces arginine 409 with cysteine.
Molecular consequence: missense variant.
Genome position (GRCh38, 1-based): chr11:117,518,751, G>A on the plus strand (C>T on the coding strand, the complement: DSCAML1 is on the minus strand). VCF-style: chr11-117518751-G-A. GRCh37 (hg19) VCF-style: chr11-117389466-G-A.
Other names: c.1225C>T, p.Arg409Cys (NM_001367904.1); c.817C>T, p.Arg273Cys (NM_001367905.1); short protein forms R273C, R409C.
Identifiers: ClinVar variation 1910973 (VCV001910973.5), dbSNP rs199669612, ClinGen allele CA6297322.

ClinVar aggregate classification (germline): Uncertain significance (1 of 4 stars; one submission).

Allele frequency attached by ClinVar (database versions not stated): TOPMed 0.00002; gnomAD 0.00004; gnomAD exomes 0.00004; ExAC 0.00010.
gnomAD v4.1: 74 of 1,611,346 alleles (0.0046%); highest among the groups gnomAD compares: Non-Finnish European, 0.0019%; no homozygotes.

Submission:

Labcorp Genetics (formerly Invitae), Labcorp
Classification: Uncertain significance. Last evaluated: 2025-12-24. Review status: criteria provided, single submitter. Criteria: Invitae Variant Classification Sherloc (09022015). Collection method: clinical testing. Allele origin: germline.
Comment: This sequence change replaces arginine, which is basic and polar, with cysteine, which is neutral and slightly polar, at codon 469 of the DSCAML1 protein (p.Arg469Cys). This variant is present in population databases (rs199669612, gnomAD 0.04%). This variant has not been reported in the literature in individuals affected with DSCAML1-related conditions. ClinVar contains an entry for this variant (Variation ID: 1910973). An algorithm developed to predict the effect of missense changes on protein structure and function (PolyPhen-2) suggests that this variant is likely to be disruptive. In summary, the available evidence is currently insufficient to determine the role of this variant in disease. Therefore, it has been classified as a Variant of Uncertain Significance.